The following is an entry in ClinVar:

ClinVar aggregate classification (germline): Conflicting classifications of pathogenicity. Review status: criteria provided, conflicting classifications (1 of 4 stars). 2 submissions from 2 submitters: Uncertain significance (1); Likely benign (1). Last evaluated 2026-08-05.

Conditions:
Cardiovascular phenotype. Identifiers: MedGen CN230736.
Hereditary cancer-predisposing syndrome. Also called: Hereditary neoplastic syndrome; Neoplastic Syndromes, Hereditary; Tumor predisposition; Hereditary Cancer Syndrome. Identifiers: Orphanet 140162, MedGen C0027672, MeSH D009386, MONDO:0015356.

Submissions (2):

Ambry Genetics
Classification: Likely benign for Cardiovascular phenotype; Hereditary cancer-predisposing syndrome. Last evaluated: 2026-08-05. Review status: criteria provided, single submitter. Criteria: Ambry Variant Classification Scheme 2023. Collection method: clinical testing. Allele origin: germline.

CeGaT Center for Human Genetics Tuebingen
Classification: Uncertain significance. Last evaluated: 2023-01-01. Review status: criteria provided, single submitter. Criteria: CeGaT Center For Human Genetics Tuebingen Variant Classification Criteria Version 2. Collection method: clinical testing. Allele origin: germline. Affected: yes. Observed: 1 variant allele.
Comment: NF1: PM2

NM_001042492.3(NF1):c.8104T>C (p.Tyr2702His)

Gene: NF1 (neurofibromin 1; plus strand). Cytogenetic location: 17q11.2.
Variant type: single nucleotide variant.
Coding change: c.8104T>C on transcript NM_001042492.3 (MANE Select); coding-DNA position 8104, T replaced by C.
Protein change: p.Tyr2702His; replaces tyrosine 2702 with histidine.
Molecular consequence: missense variant.
Genome position (GRCh38, 1-based): chr17:31,358,613, T>C. VCF-style: chr17-31358613-T-C. GRCh37 (hg19) VCF-style: chr17-29685631-T-C.
Other names: c.8041T>C, p.Tyr2681His (NM_000267.4); short protein forms Y2681H, Y2702H.
Identifiers: ClinVar variation 1761768 (VCV001761768.31), dbSNP rs2508835704, ClinGen allele CA399203990.
Genomic context (GRCh38, chr17:31,358,613, plus strand): 5'-CATGGAATTGTGCAGAGTGTGGTGTACCATGAAGAATCCCCACCACAATACCAAACATCT[T>C]ACCTGCAAAGTAAATAAATGTATCTGGAGAAGGATGGTTGATGAACTTGCTAACATGCGC-3'
Protein context (NP_001035957.1, residues 2692-2712): EESPPQYQTS[Tyr2702His]LQSFGFNGLW